The following is an entry in ClinVar:

ClinVar aggregate classification (germline): Benign/Likely benign. Review status: criteria provided, multiple submitters, no conflicts (2 of 4 stars). 6 submissions from 6 submitters: Benign (1); Likely benign (4). 1 of the submissions does not count toward it. Last evaluated 2025-12-13.

Conditions:
Early-infantile DEE. Also called: Early infantile epileptic encephalopathy; Early infantile epileptic encephalopathy with suppression bursts; Ohtahara syndrome. Identifiers: Orphanet 1934, MedGen C0393706, MONDO:0800491.
Inborn genetic diseases. Identifiers: MedGen C0950123, MeSH D030342.
KCNQ2-Related Disorders. Also called: KCNQ2-related disorder; KCNQ2-related condition. Identifiers: MedGen CN169299.

Allele frequency attached by ClinVar (database versions not stated): 1000 Genomes Project 0.00020; gnomAD 0.00015; 1000 Genomes Project 30x 0.00031; TOPMed 0.00015; ExAC 0.00008; gnomAD exomes 0.00010 and 0.00022; ESP Exome Variant Server 0.00031.
gnomAD v4.1: 332 of 1,612,038 alleles (0.021%); highest among the groups gnomAD compares: Non-Finnish European, 0.027%; no homozygotes.

Submissions (6):

Labcorp Genetics (formerly Invitae), Labcorp
Classification: Likely benign for Early-infantile DEE. Last evaluated: 2025-12-13. Review status: criteria provided, single submitter. Criteria: Invitae Variant Classification Sherloc (09022015). Collection method: clinical testing. Allele origin: germline.

Blueprint Genetics
Classification: Likely benign. Last evaluated: 2024-07-15. Review status: criteria provided, single submitter. Criteria: ACMG Guidelines, 2015. Collection method: clinical testing. Allele origin: germline.

CeGaT Center for Human Genetics Tuebingen
Classification: Likely benign. Last evaluated: 2022-09-01. Review status: criteria provided, single submitter. Criteria: CeGaT Center For Human Genetics Tuebingen Variant Classification Criteria Version 2. Collection method: clinical testing. Allele origin: germline. Affected: yes. Observed: 1 variant allele.
Comment: KCNQ2: BP4, BP7

Ambry Genetics
Classification: Likely benign for Inborn genetic diseases. Last evaluated: 2017-08-14. Review status: criteria provided, single submitter. Criteria: Ambry Variant Classification Scheme 2023. Collection method: clinical testing. Allele origin: germline.

GeneDx
Classification: Benign. Last evaluated: 2014-06-03. Review status: criteria provided, single submitter. Criteria: GeneDx Variant Classification (06012015). Collection method: clinical testing. Allele origin: germline. Affected: yes.
Comment: This variant is considered likely benign or benign based on one or more of the following criteria: it is a conservative change, it occurs at a poorly conserved position in the protein, it is predicted to be benign by multiple in silico algorithms, and/or has population frequency not consistent with disease.

PreventionGenetics, part of Exact Sciences
Classification: Likely benign for KCNQ2-related condition. Last evaluated: 2019-03-15. Review status: no assertion criteria provided. Collection method: clinical testing. Allele origin: germline. Not counted in ClinVar's aggregate classification.
Comment: This variant is classified as likely benign based on ACMG/AMP sequence variant interpretation guidelines (Richards et al. 2015 PMID: 25741868, with internal and published modifications).

NM_172107.4(KCNQ2):c.2385C>T (p.His795=)

Gene: KCNQ2 (potassium voltage-gated channel subfamily Q member 2; minus strand). Cytogenetic location: 20q13.33.
Variant type: single nucleotide variant.
Coding change: c.2385C>T on transcript NM_172107.4 (MANE Select); coding-DNA position 2385, C replaced by T.
Protein change: p.His795=; no amino-acid change (histidine 795 retained).
Molecular consequence: synonymous variant.
Genome position (GRCh38, 1-based): chr20:63,406,878, G>A on the plus strand (C>T on the coding strand, the complement: KCNQ2 is on the minus strand). VCF-style: chr20-63406878-G-A. GRCh37 (hg19) VCF-style: chr20-62038231-G-A.
Other names: p.H795H:CAC>CAT; c.2301C>T, p.His767= (NM_004518.6); c.2331C>T, p.His777= (NM_172106.3); c.2292C>T, p.His764= (NM_172108.5); c.2439C>T, p.His813= (NM_001382235.1); c.2328C>T, p.His776= (NM_001439003.1); c.2298C>T, p.His766= (NM_001439004.1).
Identifiers: ClinVar variation 138031 (VCV000138031.38), dbSNP rs143016981, ClinGen allele CA291812.